The following is an entry in ClinVar:

ClinVar aggregate classification (germline): Pathogenic (1 of 4 stars; one submission).

Conditions:
Amyotrophic lateral sclerosis type 6. Also called: FUS-Related Amyotrophic Laterial Sclerosis; AMYOTROPHIC LATERAL SCLEROSIS 6 WITHOUT FRONTOTEMPORAL DEMENTIA; Amyotrophic lateral sclerosis 6, with or without frontotemporal dementia. Identifiers: Orphanet 275872, Orphanet 803, MedGen C2931786, MONDO:0011951, OMIM 608030.
Tremor, hereditary essential, 4 (ETM4). Identifiers: MedGen C3539195, MONDO:0013888, OMIM 614782.

Submission:

Labcorp Genetics (formerly Invitae), Labcorp
Classification: Pathogenic for Tremor, hereditary essential, 4; Amyotrophic lateral sclerosis type 6. Last evaluated: 2024-12-24. Review status: criteria provided, single submitter. Criteria: Invitae Variant Classification Sherloc (09022015). Collection method: clinical testing. Allele origin: germline.
Comment: This sequence change results in a frameshift in the FUS gene (p.Gly499Valfs*30). While this is not anticipated to result in nonsense mediated decay, it is expected to disrupt the last 28 amino acid(s) of the FUS protein and extend the protein by 1 additional amino acid residues. This variant is not present in population databases (gnomAD no frequency). This variant has not been reported in the literature in individuals affected with FUS-related conditions. This variant disrupts a region of the FUS protein in which other variant(s) (p.Gln519Ilefs*9) have been determined to be pathogenic (PMID: 20668261, 26788680, 28429524). This suggests that this is a clinically significant region of the protein, and that variants that disrupt it are likely to be disease-causing. For these reasons, this variant has been classified as Pathogenic.

Literature cited by the submitters: PubMed 20668261; PubMed 26788680; PubMed 28429524.

NM_004960.4(FUS):c.1496del (p.Gly499fs)

Gene: FUS (FUS RNA binding protein; plus strand). Cytogenetic location: 16p11.2.
Variant type: Deletion.
Coding change: c.1496del on transcript NM_004960.4 (MANE Select); coding-DNA position 1496, one base deleted (G; older notation c.1496delG).
Protein change: p.Gly499fs; shifts the reading frame from glycine 499.
Molecular consequence: frameshift variant. On other transcripts: non-coding transcript variant (1).
Genome position (GRCh38, 1-based): chr16:31,191,065, G deleted; the last of 4 consecutive G bases (chr16:31,191,062-31,191,065); deleting any one gives the same sequence. VCF-style (leftmost placement, unchanged base first): chr16-31191061-CG-C. GRCh37 (hg19) VCF-style: chr16-31202382-CG-C.
Other names: c.1493del, p.Gly498fs (NM_001170634.1); c.1484del, p.Gly495fs (NM_001170937.1); short protein forms G495fs, G498fs, G499fs.
Identifiers: ClinVar variation 3760171 (VCV003760171.2).
Genomic context (GRCh38, chr16:31,191,061, plus strand): 5'-GGCTATGATCGAGGCGGCTACCGGGGCCGCGGCGGGGACCGTGGAGGCTTCCGAGGGGGC[CG>C]GGGTGGTGGGGACAGAGGTGGCTTTGGCCCTGGCAAGATGGATTCCAGGTAAGACTTTAA-3'